The following is an entry in ClinVar:

NC_000016.9:g.(?_70310369)_(70316686_?)dup

Gene: AARS1 (alanyl-tRNA synthetase 1; minus strand). Cytogenetic location: 16q22.1.
Variant type: Duplication.
Identifiers: ClinVar variation 583969 (VCV000583969.1).

ClinVar aggregate classification (germline): Uncertain significance (1 of 4 stars; one submission).

Conditions:
Charcot-Marie-Tooth disease type 2. Also called: Charcot-Marie-Tooth type 2. Identifiers: Orphanet 64746, MedGen C0270914, MONDO:0018993.

Submission:

Labcorp Genetics (formerly Invitae), Labcorp
Classification: Uncertain significance for Charcot-Marie-Tooth disease type 2. Last evaluated: 2018-05-17. Review status: criteria provided, single submitter. Criteria: Invitae Variant Classification Sherloc (09022015). Collection method: clinical testing. Allele origin: germline.
Comment: This variant results in a copy number gain of the genomic region encompassing exons 2-4 of the AARS gene. The 5' end of this event is unknown as it extends beyond the assayed region for this gene and therefore may encompass additional genes. The 3' boundary is likely confined to intron 4 of the AARS gene. As the precise location of this event is unknown, it may be in tandem or it may be located elsewhere in the genome. This variant has not been reported in the literature in individuals with AARS-related disease. In summary, the available evidence is currently insufficient to determine the role of this variant in disease. Therefore, it has been classified as a Variant of Uncertain Significance.